The following is an entry in ClinVar:

ClinVar aggregate classification (germline): Uncertain significance (1 of 4 stars; one submission).

Conditions:
GM3 synthase deficiency (SPDRS). Also called: SALT AND PEPPER DEVELOPMENTAL REGRESSION SYNDROME; SALT AND PEPPER MENTAL RETARDATION SYNDROME; AMISH INFANTILE EPILEPSY SYNDROME. Identifiers: Orphanet 171714, Orphanet 370933, MedGen C1836824, MONDO:0018274, OMIM 609056.

Allele frequency attached by ClinVar (database versions not stated): TOPMed below 0.00001; gnomAD exomes 0.00001.
gnomAD v4.1: 17 of 1,614,120 alleles (0.0011%); highest among the groups gnomAD compares: Non-Finnish European, 0.0014%; no homozygotes.

Submission:

Labcorp Genetics (formerly Invitae), Labcorp
Classification: Uncertain significance for GM3 synthase deficiency. Last evaluated: 2022-06-01. Review status: criteria provided, single submitter. Criteria: Invitae Variant Classification Sherloc (09022015). Collection method: clinical testing. Allele origin: germline.
Comment: In summary, the available evidence is currently insufficient to determine the role of this variant in disease. Therefore, it has been classified as a Variant of Uncertain Significance. Algorithms developed to predict the effect of missense changes on protein structure and function (SIFT, PolyPhen-2, Align-GVGD) all suggest that this variant is likely to be tolerated. This variant has not been reported in the literature in individuals affected with ST3GAL5-related conditions. This variant is not present in population databases (gnomAD no frequency). This sequence change replaces valine, which is neutral and non-polar, with alanine, which is neutral and non-polar, at codon 287 of the ST3GAL5 protein (p.Val287Ala).

NM_003896.4(ST3GAL5):c.860T>C (p.Val287Ala)

Gene: ST3GAL5 (ST3 beta-galactoside alpha-2,3-sialyltransferase 5; minus strand). Cytogenetic location: 2p11.2.
Variant type: single nucleotide variant.
Coding change: c.860T>C on transcript NM_003896.4 (MANE Select); coding-DNA position 860, T replaced by C.
Protein change: p.Val287Ala; replaces valine 287 with alanine.
Molecular consequence: missense variant. On other transcripts: intron variant (1).
Genome position (GRCh38, 1-based): chr2:85,844,544, A>G on the plus strand (T>C on the coding strand, the complement: ST3GAL5 is on the minus strand). VCF-style: chr2-85844544-A-G. GRCh37 (hg19) VCF-style: chr2-86071667-A-G.
Other names: c.791T>C, p.Val264Ala (NM_001042437.2); c.476T>C, p.Val159Ala (NM_001354223.2, NM_001354224.2, NM_001354226.2 and 3 more transcripts); c.776T>C, p.Val259Ala (NM_001354227.2, NM_001354229.2, NM_001354238.1); c.137T>C, p.Val46Ala (NM_001354247.1); c.849+1833T>C (NM_001363847.1); short protein forms V159A, V264A, V259A, V287A, V46A.
Identifiers: ClinVar variation 1984043 (VCV001984043.4), dbSNP rs989255908, ClinGen allele CA51777878.